The following is an entry in ClinVar:

NM_007294.4(BRCA1):c.3658G>T (p.Asp1220Tyr)

Genes: BRCA1 (BRCA1 DNA repair associated; minus strand), LOC126862571 (BRD4-independent group 4 enhancer GRCh37_chr17:41243136-41244335; plus strand). Cytogenetic location: 17q21.31.
Variant type: single nucleotide variant.
Coding change: c.3658G>T on transcript NM_007294.4 (MANE Select); coding-DNA position 3658, G replaced by T.
Protein change: p.Asp1220Tyr; replaces aspartic acid 1220 with tyrosine.
Molecular consequence: missense variant. On other transcripts: intron variant (135).
Genome position (GRCh38, 1-based): chr17:43,091,873, C>A on the plus strand (G>T on the coding strand, the complement: BRCA1 is on the minus strand). VCF-style: chr17-43091873-C-A. GRCh37 (hg19) VCF-style: chr17-41243890-C-A.
Other names: c.3517G>T, p.Asp1173Tyr (NM_001407735.1, NM_001407736.1, NM_001407737.1 and 29 more transcripts); c.3535G>T, p.Asp1179Tyr (NM_001407682.1, NM_001407683.1, NM_001407648.1 and 19 more transcripts); c.3658G>T, p.Asp1220Tyr (NM_001407684.1, NM_001407581.1, NM_001407582.1 and 30 more transcripts); c.3532G>T, p.Asp1178Tyr (NM_001407685.1, NM_001407686.1, NM_001407687.1 and 11 more transcripts); c.587-841G>T (NM_001408476.1, NM_001408474.1); c.710-841G>T (NM_001408409.1, NM_001408414.1, NM_001408411.1 and 2 more transcripts); c.575-841G>T (NM_001408493.1, NM_001408490.1, NM_001408491.1); c.455-841G>T (NM_001408502.1); and 41 more; short protein forms D1052Y, D1092Y, D1093Y, D1108Y, D1109Y, D1131Y, D1132Y, D1149Y.
Identifiers: ClinVar variation 4867727 (VCV004867727.1).

ClinVar aggregate classification (germline): Uncertain significance (1 of 4 stars; one submission).

Conditions:
Hereditary cancer-predisposing syndrome. Also called: Neoplastic Syndromes, Hereditary; Tumor predisposition; Hereditary Cancer Syndrome; Hereditary neoplastic syndrome. Identifiers: Orphanet 140162, MedGen C0027672, MeSH D009386, MONDO:0015356.

Submission:

Ambry Genetics
Classification: Uncertain significance for Hereditary cancer-predisposing syndrome. Last evaluated: 2026-04-30. Review status: criteria provided, single submitter. Criteria: Ambry Variant Classification Scheme 2023. Collection method: clinical testing. Allele origin: germline.
Comment: The p.D1220Y variant (also known as c.3658G>T), located in coding exon 9 of the BRCA1 gene, results from a G to T substitution at nucleotide position 3658. The aspartic acid at codon 1220 is replaced by tyrosine, an amino acid with highly dissimilar properties. This amino acid position is conserved. In addition, the in silico prediction for this alteration is inconclusive. Based on the available evidence, the clinical significance of this variant remains unclear.